The following is an entry in ClinVar:

NM_031407.7(HUWE1):c.6068C>T (p.Thr2023Ile)

Gene: HUWE1 (HECT, UBA and WWE domain containing E3 ubiquitin protein ligase 1; minus strand). Cytogenetic location: Xp11.22.
Variant type: single nucleotide variant.
Coding change: c.6068C>T on transcript NM_031407.7 (MANE Select); coding-DNA position 6068, C replaced by T.
Protein change: p.Thr2023Ile; replaces threonine 2023 with isoleucine.
Molecular consequence: missense variant.
Genome position (GRCh38, 1-based): chrX:53,575,184, G>A on the plus strand (C>T on the coding strand, the complement: HUWE1 is on the minus strand). VCF-style: chrX-53575184-G-A. GRCh37 (hg19) VCF-style: chrX-53602144-G-A.
Other names: short protein forms T2023I.
Identifiers: ClinVar variation 2230189 (VCV002230189.3), dbSNP rs2524772700, ClinGen allele CA413170210.

ClinVar aggregate classification (germline): Uncertain significance. Review status: criteria provided, multiple submitters, no conflicts (2 of 4 stars). 2 submissions from 2 submitters: Uncertain significance (2). Last evaluated 2024-07-22.

Conditions:
Inborn genetic diseases. Identifiers: MedGen C0950123, MeSH D030342.

Submissions (2):

GeneDx
Classification: Uncertain significance. Last evaluated: 2024-07-22. Review status: criteria provided, single submitter. Criteria: GeneDx Variant Classification Process June 2021. Collection method: clinical testing. Allele origin: germline. Affected: yes.
Comment: Not observed at significant frequency in large population cohorts (gnomAD); In silico analysis indicates that this missense variant does not alter protein structure/function; Has not been previously published as pathogenic or benign to our knowledge

Ambry Genetics
Classification: Uncertain significance for Inborn genetic diseases. Last evaluated: 2021-03-25. Review status: criteria provided, single submitter. Criteria: Ambry Variant Classification Scheme 2023. Collection method: clinical testing. Allele origin: germline.
Comment: The c.6068C>T (p.T2023I) alteration is located in exon 46 (coding exon 43) of the HUWE1 gene. This alteration results from a C to T substitution at nucleotide position 6068, causing the threonine (T) at amino acid position 2023 to be replaced by an isoleucine (I). The p.T2023I alteration is predicted to be tolerated by in silico analysis. Based on insufficient or conflicting evidence, the clinical significance of this alteration remains unclear.